The following is an entry in ClinVar:

NM_000264.5(PTCH1):c.2561-2057A>G

Genes: PTCH1 (patched 1; minus strand), LOC100507346 (uncharacterized LOC100507346; plus strand). Cytogenetic location: 9q22.32.
Variant type: single nucleotide variant.
Coding change: c.2561-2057A>G on transcript NM_000264.5 (MANE Select); 2057 bases into the intron before coding-DNA position 2561, A replaced by G.
Molecular consequence: intron variant.
Genome position (GRCh38, 1-based): chr9:95,464,055, T>C on the plus strand (A>G on the coding strand, the complement: PTCH1 is on the minus strand). VCF-style: chr9-95464055-T-C. GRCh37 (hg19) VCF-style: chr9-98226337-T-C.
Other names: c.2558-2057A>G (NM_001083603.3); c.2363-2057A>G (NM_001083602.3); c.2405-2057A>G (NM_001354918.2); c.2108-2057A>G (NM_001083605.3, NM_001083604.3, NM_001083606.3 and 1 more transcripts).
Identifiers: ClinVar variation 3427189 (VCV003427189.3).

ClinVar aggregate classification (germline): Likely pathogenic. Review status: criteria provided, multiple submitters, no conflicts (2 of 4 stars). 3 submissions from 3 submitters: Likely pathogenic (3). Last evaluated 2024-08-29.

Conditions:
Gorlin syndrome. Also called: Nevoid Basal Cell Carcinoma Syndrome; Basal cell nevus syndrome. Identifiers: Orphanet 377, MedGen C0004779, MONDO:0007187.
Hereditary cancer-predisposing syndrome. Also called: Tumor predisposition; Neoplastic Syndromes, Hereditary; Hereditary Cancer Syndrome; Hereditary neoplastic syndrome. Identifiers: Orphanet 140162, MedGen C0027672, MeSH D009386, MONDO:0015356.
PTCH1-related disorder. Also called: PTCH1-related disorders; PTCH1-related condition.

Submissions (3):

Ambry Genetics
Classification: Likely pathogenic for Hereditary cancer-predisposing syndrome. Last evaluated: 2024-08-29. Review status: criteria provided, single submitter. Criteria: Ambry Variant Classification Scheme 2023. Collection method: clinical testing. Allele origin: germline.
Comment: The c.2561-2057A>G intronic variant results from an A to G substitution 2057 nucleotides upstream from coding exon 16 in the PTCH1 gene. This variant has been observed in multiple individuals with a personal and/or family history that is consistent with PTCH1-associated disease (Bholah Z et al. Fam Cancer, 2014 Sep;13:477-80; Ambry internal data). This nucleotide position is well conserved in available vertebrate species. In silico splice site analysis predicts that this alteration will result in the creation or strengthening of a novel splice donor site. RNA studies have demonstrated that this alteration results in abnormal splicing in the set of samples tested (Bholah Z et al. Fam Cancer, 2014 Sep;13:477-80; Ambry internal data). This variant is considered to be rare based on population cohorts in the Genome Aggregation Database (gnomAD). Based on the majority of available evidence to date, this variant is likely to be pathogenic.

Blueprint Genetics
Classification: Likely pathogenic for PTCH1-related disorders. Last evaluated: 2021-05-28. Review status: criteria provided, single submitter. Criteria: ACMG Guidelines, 2015. Collection method: clinical testing. Allele origin: germline. Affected: yes. Observed: 1 variant allele.

Department of Pathology and Laboratory Medicine, Sinai Health System
Classification: Likely pathogenic for nevoid basal cell carcinoma syndrome. Review status: criteria provided, single submitter. Criteria: ACMG Guidelines, 2015. Collection method: clinical testing. Allele origin: germline.

Literature cited by the submitters: PubMed 24659465 (cited by Ambry Genetics).